The following is an entry in ClinVar:

ClinVar aggregate classification (germline): Uncertain significance. Review status: criteria provided, multiple submitters, no conflicts (2 of 4 stars). 3 submissions from 3 submitters: Uncertain significance (3). Last evaluated 2025-03-13.

Conditions:
Idiopathic generalized epilepsy. Also called: Generalised epilepsy; EIG. Identifiers: MedGen C0270850, MONDO:0005579, OMIM 600669.

Allele frequency attached by ClinVar (database versions not stated): TOPMed 0.00013; ESP Exome Variant Server 0.00015; 1000 Genomes Project 0.00040; 1000 Genomes Project 30x 0.00047.
gnomAD v4.1: 151 of 1,613,706 alleles (0.0094%); highest among the groups gnomAD compares: African/African-American, 0.028%; 1 homozygote.

Submissions (3):

Labcorp Genetics (formerly Invitae), Labcorp
Classification: Uncertain significance for Idiopathic generalized epilepsy. Last evaluated: 2025-03-13. Review status: criteria provided, single submitter. Criteria: Invitae Variant Classification Sherloc (09022015). Collection method: clinical testing. Allele origin: germline.
Comment: This sequence change replaces alanine, which is neutral and non-polar, with threonine, which is neutral and polar, at codon 366 of the RBFOX1 protein (p.Ala366Thr). This variant is present in population databases (rs150941982, gnomAD 0.03%). This variant has not been reported in the literature in individuals affected with RBFOX1-related conditions. ClinVar contains an entry for this variant (Variation ID: 460027). An algorithm developed to predict the effect of missense changes on protein structure and function outputs the following: PolyPhen-2: "Benign". The threonine amino acid residue is found in multiple mammalian species, which suggests that this missense change does not adversely affect protein function. In summary, the available evidence is currently insufficient to determine the role of this variant in disease. Therefore, it has been classified as a Variant of Uncertain Significance.

Revvity Omics, Revvity
Classification: Uncertain significance. Last evaluated: 2022-06-22. Review status: criteria provided, single submitter. Criteria: ACMG Guidelines, 2015. Collection method: clinical testing. Allele origin: germline.

Fulgent Genetics
Classification: Uncertain significance for Idiopathic generalized epilepsy. Last evaluated: 2018-10-31. Review status: criteria provided, single submitter. Criteria: ACMG Guidelines, 2015. Collection method: clinical testing. Allele origin: unknown.

NM_018723.4(RBFOX1):c.1033G>A (p.Ala345Thr)

Genes: RBFOX1 (RNA binding fox-1 homolog 1; plus strand), LOC126862279 (MED14-independent group 3 enhancer GRCh37_chr16:7758954-7760153; plus strand). Cytogenetic location: 16p13.3.
Variant type: single nucleotide variant.
Coding change: c.1033G>A on transcript NM_018723.4 (MANE Select); coding-DNA position 1033, G replaced by A.
Protein change: p.Ala345Thr; replaces alanine 345 with threonine.
Molecular consequence: missense variant. On other transcripts: synonymous variant (2).
Genome position (GRCh38, 1-based): chr16:7,709,093, G>A. VCF-style: chr16-7709093-G-A. GRCh37 (hg19) VCF-style: chr16-7759095-G-A.
Other names: c.952G>A, p.Ala318Thr (NM_001142333.2); c.1033G>A, p.Ala345Thr (NM_001142334.2); c.1162G>A, p.Ala388Thr (NM_001308117.1); c.1086G>A, p.Thr362= (NM_001364800.2); c.1096G>A, p.Ala366Thr (NM_145891.3, NM_145892.3); c.1149G>A, p.Thr383= (NM_145893.3); short protein forms A366T, A345T, A318T, A388T.
Identifiers: ClinVar variation 460027 (VCV000460027.14), dbSNP rs150941982, ClinGen allele CA7891960.